The following is an entry in ClinVar:

ClinVar aggregate classification (germline): Uncertain significance (1 of 4 stars; one submission).

Allele frequency attached by ClinVar (database versions not stated): TOPMed below 0.00001.

Submission:

CeGaT Center for Human Genetics Tuebingen
Classification: Uncertain significance. Last evaluated: 2024-06-01. Review status: criteria provided, single submitter. Criteria: CeGaT Center For Human Genetics Tuebingen Variant Classification Criteria Version 2. Collection method: clinical testing. Allele origin: germline. Affected: yes. Observed: 1 variant allele.
Comment: KDM4B: PM2, BP4

NM_015015.3(KDM4B):c.1115+637C>T

Gene: KDM4B (lysine demethylase 4B; plus strand). Cytogenetic location: 19p13.3.
Variant type: single nucleotide variant.
Coding change: c.1115+637C>T on transcript NM_015015.3 (MANE Select); 637 bases into the intron after coding-DNA position 1115, C replaced by T.
Molecular consequence: intron variant. On other transcripts: missense variant (1).
Genome position (GRCh38, 1-based): chr19:5,111,455, C>T. VCF-style: chr19-5111455-C-T. GRCh37 (hg19) VCF-style: chr19-5111466-C-T.
Other names: c.1196C>T, p.Ala399Val (NM_001370093.1); c.1116-320C>T (NM_001370094.1); c.1115+637C>T (NM_001411148.1); short protein forms A399V.
Identifiers: ClinVar variation 3251118 (VCV003251118.18), dbSNP rs2039143931.
Genomic context (GRCh38, chr19:5,111,455, plus strand): 5'-CGCACAGACCCTCCCAGCCAGGTATCTGGTGTCCGCCTGGAGGAGAGGCCAAAGCATCTG[C>T]AGCCTCTTGGCTTCTGACCACAAGAGGCCATGGGGACACGGAGGCAGGTCCCGGCCTAGG-3'